The following is an entry in ClinVar:

NM_007118.4(TRIO):c.7379C>T (p.Pro2460Leu)

Gene: TRIO (trio Rho guanine nucleotide exchange factor; plus strand). Cytogenetic location: 5p15.2.
Variant type: single nucleotide variant.
Coding change: c.7379C>T on transcript NM_007118.4 (MANE Select); coding-DNA position 7379, C replaced by T.
Protein change: p.Pro2460Leu; replaces proline 2460 with leucine.
Molecular consequence: missense variant.
Genome position (GRCh38, 1-based): chr5:14,488,007, C>T. VCF-style: chr5-14488007-C-T. GRCh37 (hg19) VCF-style: chr5-14488116-C-T.
Other names: c.7379C>T (NM_007118.3); short protein forms P2460L.
Identifiers: ClinVar variation 1678541 (VCV001678541.6), dbSNP rs771188369, ClinGen allele CA359237352.

ClinVar aggregate classification (germline): Uncertain significance. Review status: criteria provided, multiple submitters, no conflicts (2 of 4 stars). 4 submissions from 4 submitters: Uncertain significance (2). 2 of the submissions do not count toward it. Last evaluated 2025-06-18.

Conditions:
Tip-toe gait. Also called: Toe walking. Identifiers: MedGen C0427144, HP:0030051.
TRIO-related disorder. Also called: TRIO-related disorders; TRIO-related condition.

gnomAD v4.1: 8 of 1,580,158 alleles (0.00051%); highest among the groups gnomAD compares: Non-Finnish European, 0.00069%; no homozygotes.

Submissions (4):

Revvity Omics, Revvity
Classification: Uncertain significance. Last evaluated: 2025-06-18. Review status: criteria provided, single submitter. Criteria: ACMG Guidelines, 2015. Collection method: clinical testing. Allele origin: germline.

Blueprint Genetics
Classification: Uncertain significance. Last evaluated: 2022-12-26. Review status: criteria provided, single submitter. Criteria: ACMG Guidelines, 2015. Collection method: clinical testing. Allele origin: germline.

PreventionGenetics, part of Exact Sciences
Classification: Uncertain significance for TRIO-related condition. Last evaluated: 2024-05-31. Review status: no assertion criteria provided. Collection method: clinical testing. Allele origin: germline. Not counted in ClinVar's aggregate classification.
Comment: The TRIO c.7379C>T variant is predicted to result in the amino acid substitution p.Pro2460Leu. To our knowledge, this variant has not been reported in the literature or in a large population database, indicating this variant is rare. At this time, the clinical significance of this variant is uncertain due to the absence of conclusive functional and genetic evidence.

Practice for Gait Abnormalities, David Pomarino, Competency Network Toe Walking C/o Practice Pomarino
Classification: Likely pathogenic for Tip-toe gait. Review status: no assertion criteria provided. Collection method: clinical testing. Allele origin: germline. Affected: yes. Not counted in ClinVar's aggregate classification.
Comment: Hereditary motor sensory neuropathy (HMSN), also known as Charcot-Marie-Tooth Disease (CMT), is the most commonly inherited peripheral polyneuropathy. It constitutes a group of inherited, progressive, motor and sensory peripheral nerve disorders with properties of demyelination, axonal degeneration, or both. It is classified by clinical characteristics, modes of inheritance, electrophysiologic features, metabolic defects, and specific gene markers. Our patients all walk on tiptoe, so they show similar symptoms. When we genetically test them with our toe walking panel, we find that around 90 per cent of them have a genetic variant that explains their toe walking. These can be assigned, for example, to the area of myopathies (such as variants of the COL6A3 gene), the area of hereditary neuropathies (such as variants of the KMT2C gene) or the area of metabolic diseases (such as variants of the PYGM gene). In a smaller group of patients with almost identical symptoms, no abnormality is found in the genes of our panel, but spastic paraplegia can be detected. In another small group of our toe walkers, no abnormalities can be detected in the genes analysed in our toe walking panel, nor do they suffer from spastic paraplegia, as is also the case with healthy children. In contrast to these, however, they show a tiptoe gait. These patients suffer from infantile cerebral palsy, in which toe walking can also be observed.

Literature cited by the submitters: PubMed 37091313 (cited by Practice for Gait Abnormalities, David Pomarino, Competency Network Toe Walking C/o Practice Pomarino).